The following is an entry in ClinVar:

ClinVar aggregate classification (germline): Uncertain significance. Review status: criteria provided, multiple submitters, no conflicts (2 of 4 stars). 3 submissions from 3 submitters: Uncertain significance (3). Last evaluated 2025-08-10.

Conditions:
COL12A1-related disorder. Also called: COL12A1-related condition.
Ullrich congenital muscular dystrophy 2 (UCMD2). Identifiers: Orphanet 75840, MedGen C4225314, MONDO:0014654, OMIM 616470.
Bethlem myopathy 2 (BTHLM2). Identifiers: Orphanet 536516, Orphanet 610, MedGen C4225313, MONDO:0034022, OMIM 616471.

gnomAD v4.1: 2 of 1,611,458 alleles (0.00012%); highest among the groups gnomAD compares: Non-Finnish European, 0.00017%; no homozygotes.

Submissions (3):

PreventionGenetics, part of Exact Sciences
Classification: Uncertain significance for COL12A1-related condition. Last evaluated: 2025-08-10. Review status: criteria provided, single submitter. Criteria: ACMG Guidelines, 2015. Collection method: clinical testing. Allele origin: germline.
Comment: The COL12A1 c.3553A>G variant is predicted to result in the amino acid substitution p.Ile1185Val. To our knowledge, this variant has not been reported in the literature. This variant is reported in 0.00089% of alleles in individuals of European (Non-Finnish) descent in gnomAD. At this time, the clinical significance of this variant is uncertain due to the absence of conclusive functional and genetic evidence.

Women's Health and Genetics/Laboratory Corporation of America, LabCorp
Classification: Uncertain significance. Last evaluated: 2025-05-08. Review status: criteria provided, single submitter. Criteria: LabCorp Variant Classification Summary - May 2015. Collection method: clinical testing. Allele origin: germline.
Comment: Variant summary: COL12A1 c.3553A>G (p.Ile1185Val) results in a conservative amino acid change in the encoded protein sequence. Algorithms developed to predict the effect of missense changes on protein structure and function all suggest that this variant is likely to be tolerated. The variant allele was found at a frequency of 4e-06 in 248014 control chromosomes. The available data on variant occurrences in the general population are insufficient to allow any conclusion about variant significance. To our knowledge, no occurrence of c.3553A>G in individuals affected with Ullrich congenital muscular dystrophy 2 and no experimental evidence demonstrating its impact on protein function have been reported. ClinVar contains an entry for this variant (Variation ID: 3752707). Based on the evidence outlined above, the variant was classified as uncertain significance.

Labcorp Genetics (formerly Invitae), Labcorp
Classification: Uncertain significance for Bethlem myopathy 2; Ullrich congenital muscular dystrophy 2. Last evaluated: 2025-04-08. Review status: criteria provided, single submitter. Criteria: Invitae Variant Classification Sherloc (09022015). Collection method: clinical testing. Allele origin: germline.
Comment: This sequence change replaces isoleucine, which is neutral and non-polar, with valine, which is neutral and non-polar, at codon 1185 of the COL12A1 protein (p.Ile1185Val). This variant is present in population databases (rs753994289, gnomAD 0.0009%). This variant has not been reported in the literature in individuals affected with COL12A1-related conditions. ClinVar contains an entry for this variant (Variation ID: 3752707). Invitae Evidence Modeling of protein sequence and biophysical properties (such as structural, functional, and spatial information, amino acid conservation, physicochemical variation, residue mobility, and thermodynamic stability) indicates that this missense variant is not expected to disrupt COL12A1 protein function with a negative predictive value of 80%. In summary, the available evidence is currently insufficient to determine the role of this variant in disease. Therefore, it has been classified as a Variant of Uncertain Significance.

NM_004370.6(COL12A1):c.3553A>G (p.Ile1185Val)

Gene: COL12A1 (collagen type XII alpha 1 chain; minus strand). Cytogenetic location: 6q13.
Variant type: single nucleotide variant.
Coding change: c.3553A>G on transcript NM_004370.6 (MANE Select); coding-DNA position 3553, A replaced by G.
Protein change: p.Ile1185Val; replaces isoleucine 1185 with valine.
Molecular consequence: missense variant. On other transcripts: intron variant (2).
Genome position (GRCh38, 1-based): chr6:75,154,428, T>C on the plus strand (A>G on the coding strand, the complement: COL12A1 is on the minus strand). VCF-style: chr6-75154428-T-C. GRCh37 (hg19) VCF-style: chr6-75864144-T-C.
Other names: c.3553A>G, p.Ile1185Val (NM_001424113.1, NM_001424114.1); c.3280A>G, p.Ile1094Val (NM_001424115.1); c.74-1946A>G (NM_001424116.1, NM_080645.3); c.3553A>G (NM_004370.5); short protein forms I1094V, I1185V.
Identifiers: ClinVar variation 3752707 (VCV003752707.4).